The following is an entry in ClinVar:

NM_007078.3(LDB3):c.412C>G (p.Leu138Val)

Gene: LDB3 (LIM domain binding 3; plus strand). Cytogenetic location: 10q23.2.
Variant type: single nucleotide variant.
Coding change: c.412C>G on transcript NM_007078.3 (MANE Select); coding-DNA position 412, C replaced by G.
Protein change: p.Leu138Val; replaces leucine 138 with valine.
Molecular consequence: missense variant. On other transcripts: intron variant (5).
Genome position (GRCh38, 1-based): chr10:86,681,526, C>G. VCF-style: chr10-86681526-C-G. GRCh37 (hg19) VCF-style: chr10-88441283-C-G.
Other names: c.412C>G, p.Leu138Val (NM_001080115.2, NM_001171610.2, NM_001171611.2 and 3 more transcripts); c.321+1369C>G (NM_001368068.1, NM_001368066.1, NM_001080114.2 and 2 more transcripts); short protein forms L138V.
Identifiers: ClinVar variation 1738069 (VCV001738069.2), dbSNP rs764151632, ClinGen allele CA5584698.

ClinVar aggregate classification (germline): Uncertain significance (1 of 4 stars; one submission).

Conditions:
Cardiovascular phenotype. Identifiers: MedGen CN230736.

Allele frequency attached by ClinVar (database versions not stated): gnomAD exomes 0.00001; ExAC 0.00003.

Submission:

Ambry Genetics
Classification: Uncertain significance for Cardiovascular phenotype. Last evaluated: 2022-08-03. Review status: criteria provided, single submitter. Criteria: Ambry Variant Classification Scheme 2023. Collection method: clinical testing. Allele origin: germline.
Comment: The p.L138V variant (also known as c.412C>G), located in coding exon 4 of the LDB3 gene, results from a C to G substitution at nucleotide position 412. The leucine at codon 138 is replaced by valine, an amino acid with highly similar properties. This amino acid position is conserved. In addition, this alteration is predicted to be tolerated by in silico analysis. Since supporting evidence is limited at this time, the clinical significance of this alteration remains unclear.